The following is an entry in ClinVar:

NM_001009944.3(PKD1):c.11603C>T (p.Thr3868Met)

Genes: PKD1 (polycystin 1, transient receptor potential channel interacting; minus strand), PKD1-AS1 (PKD1 antisense RNA 1; plus strand). Cytogenetic location: 16p13.3.
Variant type: single nucleotide variant.
Coding change: c.11603C>T on transcript NM_001009944.3 (MANE Select); coding-DNA position 11603, C replaced by T.
Protein change: p.Thr3868Met; replaces threonine 3868 with methionine.
Molecular consequence: missense variant. On other transcripts: non-coding transcript variant (1).
Genome position (GRCh38, 1-based): chr16:2,091,532, G>A on the plus strand (C>T on the coding strand, the complement: PKD1 is on the minus strand). VCF-style: chr16-2091532-G-A. GRCh37 (hg19) VCF-style: chr16-2141533-G-A.
Other names: c.11600C>T, p.Thr3867Met (NM_000296.4); short protein forms T3868M, T3867M.
Identifiers: ClinVar variation 4983041 (VCV004983041.1).

ClinVar aggregate classification (germline): Uncertain significance (1 of 4 stars; one submission).

Conditions:
PKD1-related disorder. Also called: PKD1-related condition.

gnomAD v4.1: 2 of 1,499,302 alleles (0.00013%); highest among the groups gnomAD compares: East Asian, 0.0052%; no homozygotes.

Submission:

PreventionGenetics, part of Exact Sciences
Classification: Uncertain significance for PKD1-related condition. Last evaluated: 2026-07-21. Review status: criteria provided, single submitter. Criteria: ACMG Guidelines, 2015. Collection method: clinical testing. Allele origin: germline.
Comment: The PKD1 c.11603C>T variant is predicted to result in the amino acid substitution p.Thr3868Met. This variant was reported in individuals with polycystic kidney disease (Table S2, Yu et al. 2022. PubMed ID: 35778421; Li et al. 2026. PubMed ID: 41937974). This variant is reported in 0.013% of alleles in individuals of East Asian descent in gnomAD. At this time, the clinical significance of this variant is uncertain due to the absence of conclusive functional and genetic evidence.